The following is an entry in ClinVar:

NM_001197104.2(KMT2A):c.4552C>A (p.Pro1518Thr)

Gene: KMT2A (lysine methyltransferase 2A; plus strand). Cytogenetic location: 11q23.3.
Variant type: single nucleotide variant.
Coding change: c.4552C>A on transcript NM_001197104.2 (MANE Select); coding-DNA position 4552, C replaced by A.
Protein change: p.Pro1518Thr; replaces proline 1518 with threonine.
Molecular consequence: missense variant.
Genome position (GRCh38, 1-based): chr11:118,489,864, C>A. VCF-style: chr11-118489864-C-A. GRCh37 (hg19) VCF-style: chr11-118360579-C-A.
Other names: c.4651C>A, p.Pro1551Thr (NM_001412597.1); c.4552C>A, p.Pro1518Thr (NM_005933.4); short protein forms P1551T, P1518T.
Identifiers: ClinVar variation 2837953 (VCV002837953.4), dbSNP rs2496910216, ClinGen allele CA382833517.
Genomic context (GRCh38, chr11:118,489,864, plus strand): 5'-TGTAATAAGTGCCGAAACAGCTATCACCCTGAGTGCCTGGGACCAAACTACCCCACCAAA[C>A]CCACAAAGAAGAAGAAAGTCTGGGTGAGTTATACACATGATGCTCTTTTATAGAGAACCA-3'
Protein context (NP_001184033.1, residues 1508-1528): ECLGPNYPTK[Pro1518Thr]TKKKKVWICT

ClinVar aggregate classification (germline): Uncertain significance. Review status: criteria provided, multiple submitters, no conflicts (2 of 4 stars). 2 submissions from 2 submitters: Uncertain significance (2). Last evaluated 2025-05-20.

Submissions (2):

GeneDx
Classification: Uncertain significance. Last evaluated: 2025-05-20. Review status: criteria provided, single submitter. Criteria: GeneDx Variant Classification Process June 2021. Collection method: clinical testing. Allele origin: germline. Affected: yes.
Comment: Not observed at significant frequency in large population cohorts (gnomAD); In silico analysis supports that this missense variant has a deleterious effect on protein structure/function; Has not been previously published as pathogenic or benign to our knowledge

Labcorp Genetics (formerly Invitae), Labcorp
Classification: Uncertain significance. Last evaluated: 2023-03-27. Review status: criteria provided, single submitter. Criteria: Invitae Variant Classification Sherloc (09022015). Collection method: clinical testing. Allele origin: germline.
Comment: Advanced modeling of protein sequence and biophysical properties (such as structural, functional, and spatial information, amino acid conservation, physicochemical variation, residue mobility, and thermodynamic stability) performed at Invitae indicates that this missense variant is expected to disrupt KMT2A protein function. In summary, the available evidence is currently insufficient to determine the role of this variant in disease. Therefore, it has been classified as a Variant of Uncertain Significance. This variant has not been reported in the literature in individuals affected with KMT2A-related conditions. This variant is not present in population databases (gnomAD no frequency). This sequence change replaces proline, which is neutral and non-polar, with threonine, which is neutral and polar, at codon 1518 of the KMT2A protein (p.Pro1518Thr).